The following is an entry in ClinVar:

NM_000455.5(STK11):c.882_884del (p.Ala295del)

Gene: STK11 (serine/threonine kinase 11; plus strand). Cytogenetic location: 19p13.3.
Variant type: Deletion.
Coding change: c.882_884del on transcript NM_000455.5 (MANE Select); coding-DNA positions 882 to 884, 3 bases deleted (GGC; older notation c.882_884delGGC).
Protein change: p.Ala295del; deletes alanine 295.
Molecular consequence: inframe deletion.
Genome position (GRCh38, 1-based): chr19:1,221,968-1,221,970, GGC deleted; deleting any 3 consecutive bases within chr19:1,221,967-1,221,970 gives the same sequence; the c. name uses the placement nearest the transcript's 3' end. VCF-style (leftmost placement, unchanged base first): chr19-1221966-CCGG-C. GRCh37 (hg19) VCF-style: chr19-1221965-CCGG-C.
Other names: c.882_884delGGC (NM_000455.4); short protein forms A295del.
Identifiers: ClinVar variation 233698 (VCV000233698.5), dbSNP rs876660582, ClinGen allele CA10581012.
Genomic context (GRCh38, chr19:1,221,966, plus strand): 5'-GGCCTGTGCCCAGCTGACAGGCTCCTCGCCGGCTTCTCCTCAGGGATGCTTGAGTACGAA[CCGG>C]CCAAGAGGTTCTCCATCCGGCAGATCCGGCAGCACAGGTGAGCGGCCCCTGGGGGCAGTG-3'

ClinVar aggregate classification (germline): Uncertain significance (1 of 4 stars; one submission).

Conditions:
Hereditary cancer-predisposing syndrome. Also called: Neoplastic Syndromes, Hereditary; Tumor predisposition; Hereditary Cancer Syndrome; Hereditary neoplastic syndrome. Identifiers: Orphanet 140162, MedGen C0027672, MeSH D009386, MONDO:0015356.

Submission:

Ambry Genetics
Classification: Uncertain significance for Hereditary cancer-predisposing syndrome. Last evaluated: 2015-09-04. Review status: criteria provided, single submitter. Criteria: Ambry Variant Classification Scheme 2023. Collection method: clinical testing. Allele origin: germline.
Comment: The c.882_884delGGC variant (also known as p.A295del) is located in coding exon 7 of the STK11 gene. This variant results from an in-frame deletion of 3 nucleotides at positions 882 to 884, causing the removal of a well-conserved alanine residue at codon 295. In addition, this alteration is predicted to be deleterious by in silico analysis (Choi Y et al. PLoS ONE. 2012; 7(10):e46688). Since supporting evidence is limited at this time, the clinical significance of this alteration remains unclear.